The following is an entry in ClinVar:

ClinVar aggregate classification (germline): Likely benign (1 of 4 stars; one submission).

Conditions:
Classic or attenuated familial adenomatous polyposis. Identifiers: MedGen CN372698, MONDO:0021057.

Allele frequency attached by ClinVar (database versions not stated): gnomAD exomes below 0.00001; TOPMed below 0.00001.
gnomAD v4.1: 1 of 1,614,144 alleles (0.000062%); no homozygotes.

Submission:

All of Us Research Program, National Institutes of Health
Classification: Likely benign for Classic or attenuated familial adenomatous polyposis. Last evaluated: 2024-02-05. Review status: criteria provided, single submitter. Criteria: ACMG Guidelines, 2015. Collection method: clinical testing. Allele origin: germline. Inheritance: Autosomal dominant inheritance. Observed: 1 variant allele, 1 heterozygote.
Comment: This study involves interpretation of variants in research participants for the purpose of population health screening. Participant phenotype was not available at the time of variant classification. Additional details can be found in publication PMID: 35346344, PMCID: PMC8962531

NM_000038.6(APC):c.4983A>T (p.Thr1661=)

Gene: APC (APC regulator of WNT signaling pathway; plus strand). Cytogenetic location: 5q22.2.
Variant type: single nucleotide variant.
Coding change: c.4983A>T on transcript NM_000038.6 (MANE Select); coding-DNA position 4983, A replaced by T.
Protein change: p.Thr1661=; no amino-acid change (threonine 1661 retained).
Molecular consequence: synonymous variant. On other transcripts: non-coding transcript variant (2).
Genome position (GRCh38, 1-based): chr5:112,840,577, A>T. VCF-style: chr5-112840577-A-T. GRCh37 (hg19) VCF-style: chr5-112176274-A-T.
Other names: c.4983A>T, p.Thr1661= (NM_001127510.3, NM_001354895.2, NM_001407450.1); c.4929A>T, p.Thr1643= (NM_001127511.3); c.5037A>T, p.Thr1679= (NM_001354896.2, NM_001407447.1, NM_001407448.1 and 1 more transcripts); c.5013A>T, p.Thr1671= (NM_001354897.2); c.4908A>T, p.Thr1636= (NM_001354898.2); c.4899A>T, p.Thr1633= (NM_001354899.2); c.4860A>T, p.Thr1620= (NM_001354900.2); c.4806A>T, p.Thr1602= (NM_001354901.2, NM_001407453.1); and 11 more.
Identifiers: ClinVar variation 3075419 (VCV003075419.1), dbSNP rs1765819907, ClinGen allele CA446208741.
Genomic context (GRCh38, chr5:112,840,577, plus strand): 5'-GTATTGTGTTGAAGGGACACCTATAAACTTTTCCACAGCTACATCTCTAAGTGATCTAAC[A>T]ATCGAATCCCCTCCAAATGAGTTAGCTGCTGGAGAAGGAGTTAGAGGAGGGGCACAGTCA-3'
Protein context (NP_000029.2, residues 1651-1671): FSTATSLSDL[Thr1661=]IESPPNELAA